The following is an entry in ClinVar:

ClinVar aggregate classification (germline): Conflicting classifications of pathogenicity. Review status: criteria provided, conflicting classifications (1 of 4 stars). 8 submissions from 8 submitters: Uncertain significance (1); Benign (1); Likely benign (5). 1 of the submissions does not count toward it. Last evaluated 2026-02-01.

Conditions:
Renal carnitine transport defect (CDSP). Also called: Carnitine transporter deficiency; Carnitine Deficiency, Systemic; Primary carnitine deficiency; Systemic primary carnitine deficiency; CARNITINE DEFICIENCY, SYSTEMIC, DUE TO DEFECT IN RENAL REABSORPTION OF CARNITINE; CARNITINE TRANSPORTER, PLASMA-MEMBRANE, DEFICIENCY OF. Identifiers: Orphanet 158, MedGen C0342788, MONDO:0008919, OMIM 212140.

Allele frequency attached by ClinVar (database versions not stated): 1000 Genomes Project 30x 0.00016; 1000 Genomes Project 0.00020; gnomAD exomes 0.00052 and 0.00085; ExAC 0.00054; TOPMed 0.00057; gnomAD 0.00058 and 0.00059; ESP Exome Variant Server 0.00062.
gnomAD v4.1: 1,339 of 1,614,078 alleles (0.083%); highest among the groups gnomAD compares: Non-Finnish European, 0.1%; 2 homozygotes.

Submissions (8):

Labcorp Genetics (formerly Invitae), Labcorp
Classification: Likely benign for Renal carnitine transport defect. Last evaluated: 2026-02-01. Review status: criteria provided, single submitter. Criteria: Invitae Variant Classification Sherloc (09022015). Collection method: clinical testing. Allele origin: germline.

Laboratory of Genetics, Children's Clinical University Hospital Latvia
Classification: Likely benign. Last evaluated: 2025-02-16. Review status: criteria provided, single submitter. Criteria: ACMG Guidelines, 2015. Collection method: clinical testing. Allele origin: germline. Affected: yes.

Blueprint Genetics
Classification: Likely benign. Last evaluated: 2024-10-08. Review status: criteria provided, single submitter. Criteria: ACMG Guidelines, 2015. Collection method: clinical testing. Allele origin: germline.

CeGaT Center for Human Genetics Tuebingen
Classification: Likely benign. Last evaluated: 2024-09-01. Review status: criteria provided, single submitter. Criteria: CeGaT Center For Human Genetics Tuebingen Variant Classification Criteria Version 2. Collection method: clinical testing. Allele origin: germline. Affected: yes. Observed: 4 variant alleles.
Comment: SLC22A5: BP4, BP7

Genome-Nilou Lab
Classification: Likely benign for Renal carnitine transport defect. Last evaluated: 2021-07-15. Review status: criteria provided, single submitter. Criteria: ACMG Guidelines, 2015. Collection method: clinical testing. Allele origin: germline. Affected: no.

Illumina Laboratory Services, Illumina
Classification: Uncertain significance for Renal carnitine transport defect. Last evaluated: 2018-01-13. Review status: criteria provided, single submitter. Criteria: ICSL Variant Classification Criteria 13 December 2019. Collection method: clinical testing. Allele origin: germline.

GeneDx
Classification: Benign. Last evaluated: 2015-03-03. Review status: criteria provided, single submitter. Criteria: GeneDx Variant Classification Process June 2021. Collection method: clinical testing. Allele origin: germline. Affected: yes.

Natera, Inc.
Classification: Uncertain significance for Primary systemic carnitine deficiency. Last evaluated: 2020-06-23. Review status: no assertion criteria provided. Collection method: clinical testing. Allele origin: germline. Not counted in ClinVar's aggregate classification.

NM_003060.4(SLC22A5):c.414C>T (p.Asp138=)

Gene: SLC22A5 (solute carrier family 22 member 5; plus strand). Cytogenetic location: 5q31.1.
Variant type: single nucleotide variant.
Coding change: c.414C>T on transcript NM_003060.4 (MANE Select); coding-DNA position 414, C replaced by T.
Protein change: p.Asp138=; no amino-acid change (aspartic acid 138 retained).
Molecular consequence: synonymous variant.
Genome position (GRCh38, 1-based): chr5:132,378,398, C>T. VCF-style: chr5-132378398-C-T. GRCh37 (hg19) VCF-style: chr5-131714090-C-T.
Other names: c.486C>T, p.Asp162= (NM_001308122.2).
Identifiers: ClinVar variation 25377 (VCV000025377.50), dbSNP rs150705788, ClinGen allele CA342634.